The following is an entry in ClinVar:

NM_152594.3(SPRED1):c.386A>C (p.Glu129Ala)

Gene: SPRED1 (sprouty related EVH1 domain containing 1; plus strand). Cytogenetic location: 15q14.
Variant type: single nucleotide variant.
Coding change: c.386A>C on transcript NM_152594.3 (MANE Select); coding-DNA position 386, A replaced by C.
Protein change: p.Glu129Ala; replaces glutamic acid 129 with alanine.
Molecular consequence: missense variant.
Genome position (GRCh38, 1-based): chr15:38,324,772, A>C. VCF-style: chr15-38324772-A-C. GRCh37 (hg19) VCF-style: chr15-38616973-A-C.
Other names: short protein forms E129A.
Identifiers: ClinVar variation 4974660 (VCV004974660.1).

ClinVar aggregate classification (germline): Uncertain significance (1 of 4 stars; one submission).

Conditions:
Legius syndrome. Identifiers: Orphanet 137605, MedGen C1969623, MONDO:0012669, OMIM 611431. Disease mechanism: loss of function.

Submission:

Clinical Genomics Laboratory, Washington University in St. Louis
Classification: Uncertain significance for Legius syndrome. Last evaluated: 2026-05-01. Review status: criteria provided, single submitter. Criteria: ACMG Guidelines, 2015. Collection method: clinical testing. Allele origin: germline.
Comment: A SPRED1 c.386A>C (p.Glu129Ala) variant was identified at a near heterozygous allelic fraction of 46.5%, a frequency which may be consistent with germline origin. This variant is absent from the general population (gnomAD v4.1.1), indicating it is not a common variant. Computational predictors suggest that the variant does not impact SPRED1 function. Due to limited information, and based on ACMG/AMP guidelines for variant interpretation (Richards S et al., PMID: 25741868), the clinical significance of this variant is uncertain at this time.